The following is an entry in ClinVar:

NC_000003.12:g.169764671G>T

Gene: TERC (telomerase RNA component; minus strand). Cytogenetic location: 3q26.2.
Variant type: single nucleotide variant.
Genome position: GRCh38 VCF-style: chr3-169764671-G-T. GRCh37 (hg19) VCF-style: chr3-169482459-G-T.
Identifiers: ClinVar variation 849277 (VCV000849277.9), dbSNP rs1777958283, ClinGen allele CA436714862.

ClinVar aggregate classification (germline): Uncertain significance (1 of 4 stars; one submission).

Conditions:
Dyskeratosis congenita, autosomal dominant 1 (DKCA1). Also called: Dyskeratosis congenita Scoggins type. Identifiers: Orphanet 1775, MedGen C4551974, MONDO:0007485, OMIM 127550. Inheritance: Variable.

Allele frequency attached by ClinVar (database versions not stated): gnomAD 0.00001.
gnomAD v4.1: 1 of 753,836 alleles (0.00013%); highest among the groups gnomAD compares: African/African-American, 0.0017%; no homozygotes.

Submission:

Labcorp Genetics (formerly Invitae), Labcorp
Classification: Uncertain significance for Dyskeratosis congenita, autosomal dominant 1. Last evaluated: 2020-01-06. Review status: criteria provided, single submitter. Criteria: Invitae Variant Classification Sherloc (09022015). Collection method: clinical testing. Allele origin: germline.
Comment: This variant is located within the BoxH/ACA scaRNA domain of the TERC RNA component, which is required for telomerase activity (PMID: 21844345). Functional studies testing the effect of this variant on TERC secondary structure or function have not been reported. In summary, the available evidence is currently insufficient to determine the role of this variant in disease. Therefore, it has been classified as a Variant of Uncertain Significance. This variant has not been reported in the literature in individuals with TERC-related conditions. This variant is not present in population databases (ExAC no frequency). This variant occurs in the TERC gene, which encodes an RNA molecule that does not result in a protein product.

Literature cited by the submitters: PubMed 21844345.